The following is an entry in ClinVar:

NM_000412.5(HRG):c.736C>A (p.Pro246Thr)

Gene: HRG (histidine rich glycoprotein; plus strand). Cytogenetic location: 3q27.3.
Variant type: single nucleotide variant.
Coding change: c.736C>A on transcript NM_000412.5 (MANE Select); coding-DNA position 736, C replaced by A.
Protein change: p.Pro246Thr; replaces proline 246 with threonine.
Molecular consequence: missense variant.
Genome position (GRCh38, 1-based): chr3:186,675,185, C>A. VCF-style: chr3-186675185-C-A. GRCh37 (hg19) VCF-style: chr3-186392974-C-A.
Other names: short protein forms P246T.
Identifiers: ClinVar variation 1684325 (VCV001684325.1), dbSNP rs780950869, ClinGen allele CA89673774.

ClinVar aggregate classification (germline): Uncertain significance (0 of 4 stars; one submission).

Conditions:
Hereditary thrombophilia due to congenital histidine-rich (poly-L) glycoprotein deficiency. Also called: Thrombophilia due to HRG deficiency; THROMBOPHILIA DUE TO HISTIDINE-RICH GLYCOPROTEIN DEFICIENCY. Identifiers: Orphanet 217467, MedGen C2751090, MONDO:0013143, OMIM 613116.

Allele frequency attached by ClinVar (database versions not stated): gnomAD exomes below 0.00001; TOPMed below 0.00001; gnomAD 0.00001.
gnomAD v4.1: 3 of 1,609,372 alleles (0.00019%); highest among the groups gnomAD compares: Non-Finnish European, 0.00026%; no homozygotes.

Submission:

ISTH-SSC Genomics in Thrombosis and Hemostasis, KU Leuven, Center for Molecular and Vascular Biology
Classification: Uncertain significance for Hereditary thrombophilia due to congenital histidine-rich (poly-L) glycoprotein deficiency. Review status: no assertion criteria provided. Collection method: clinical testing. Allele origin: unknown. Affected: yes.
Comment: Submitted to GoldVariant by Prof Kathleen Freson from Center for Molecular and Vascular Biology, Leuven, Belgium